The following is an entry in ClinVar:

NM_000169.3(GLA):c.1025G>T (p.Arg342Leu)

Genes: GLA (galactosidase alpha; minus strand), RPL36A-HNRNPH2 (RPL36A-HNRNPH2 readthrough; plus strand). Cytogenetic location: Xq22.1.
Variant type: single nucleotide variant.
Coding change: c.1025G>T on transcript NM_000169.3 (MANE Select); coding-DNA position 1025, G replaced by T.
Protein change: p.Arg342Leu; replaces arginine 342 with leucine.
Molecular consequence: missense variant. On other transcripts: intron variant (2), non-coding transcript variant (3).
Genome position (GRCh38, 1-based): chrX:101,398,074, C>A on the plus strand (G>T on the coding strand, the complement: GLA is on the minus strand). VCF-style: chrX-101398074-C-A. GRCh37 (hg19) VCF-style: chrX-100653062-C-A.
Other names: c.300+2617C>A (NM_001199973.2); c.177+6252C>A (NM_001199974.2); c.1148G>T, p.Arg383Leu (NM_001406747.1); short protein forms R342L, R383L.
Identifiers: ClinVar variation 4087620 (VCV004087620.2).

ClinVar aggregate classification (germline): Pathogenic (1 of 4 stars; one submission).

Conditions:
Fabry disease. Also called: ALPHA-GALACTOSIDASE A DEFICIENCY; ANDERSON-FABRY DISEASE; CERAMIDE TRIHEXOSIDASE DEFICIENCY; GLA DEFICIENCY; HEREDITARY DYSTOPIC LIPIDOSIS; Angiokeratoma corporis diffusum. Identifiers: Orphanet 324, MedGen C0002986, MONDO:0010526, OMIM 301500, HP:0001071. Disease mechanism: Fabry disease is due to inactivating mutations in the X-linked GLA gene resulting in deficiency of the enzyme Alpha Galactosidase-A., loss of function.

Submission:

Genomenon, Inc
Classification: Pathogenic for Fabry disease. Last evaluated: 2026-09-08. Review status: criteria provided, single submitter. Criteria: Genomenon Sequence Variant Interpretation Standards - Updated. Collection method: curation. Allele origin: germline. Affected: yes.
Comment: GLA p.Arg342Leu (c.1025G>T) is a missense variant that changes the amino acid at codon 342 from Arginine to Leucine. This variant has been observed in at least one proband with clinical features consistent with Fabry disease (PMID:32583479;18424138;12952834;36165155). The variant was found to segregate with disease in at least one affected family (PMID:12952834). At least one functional study has demonstrated a substantial alteration in protein function relative to the wild-type (PMID:32023956;36499585;27657681;23935525). It is absent or not present at a significant frequency in gnomAD. In silico models predict that this variant is possibly or probably damaging. In conclusion, we classify GLA p.Arg342Leu (c.1025G>T) as a pathogenic variant.

Literature cited by the submitters: PubMed 32583479; PubMed 18424138; PubMed 12952834; PubMed 36165155; PubMed 32023956; PubMed 36499585; PubMed 27657681; PubMed 23935525.